The following is an entry in ClinVar:

ClinVar aggregate classification (germline): Uncertain significance (1 of 4 stars; one submission).

Conditions:
Cystic fibrosis (CF). Also called: MUCOVISCIDOSIS. Identifiers: Orphanet 586, MedGen C0010674, MONDO:0009061, OMIM 219700. Disease mechanism: loss of function.

Submission:

Ambry Genetics
Classification: Uncertain significance for Cystic fibrosis. Last evaluated: 2022-07-27. Review status: criteria provided, single submitter. Criteria: Ambry Variant Classification Scheme 2023. Collection method: clinical testing. Allele origin: germline.
Comment: The p.I1119F variant (also known as c.3355A>T), located in coding exon 20 of the CFTR gene, results from an A to T substitution at nucleotide position 3355. The isoleucine at codon 1119 is replaced by phenylalanine, an amino acid with highly similar properties. This amino acid position is conserved. In addition, this alteration is predicted to be deleterious by in silico analysis. Since supporting evidence is limited at this time, the clinical significance of this alteration remains unclear.

NM_000492.4(CFTR):c.3355A>T (p.Ile1119Phe)

Genes: CFTR (CF transmembrane conductance regulator; plus strand), CFTR-AS2 (CFTR antisense RNA 2; minus strand), LOC111674472 (DNase I hypersensitive sites in introns 16 and 17a of CFTR; plus strand). Cytogenetic location: 7q31.2.
Variant type: single nucleotide variant.
Coding change: c.3355A>T on transcript NM_000492.4 (MANE Select); coding-DNA position 3355, A replaced by T.
Protein change: p.Ile1119Phe; replaces isoleucine 1119 with phenylalanine.
Molecular consequence: missense variant.
Genome position (GRCh38, 1-based): chr7:117,611,796, A>T. VCF-style: chr7-117611796-A-T. GRCh37 (hg19) VCF-style: chr7-117251850-A-T.
Other names: short protein forms I1119F.
Identifiers: ClinVar variation 1730540 (VCV001730540.2), dbSNP rs1445994422, ClinGen allele CA368992611.